The following is an entry in ClinVar:

ClinVar aggregate classification (germline): Uncertain significance (1 of 4 stars; one submission).

Conditions:
Cardiovascular phenotype. Identifiers: MedGen CN230736.

gnomAD v4.1: 4 of 1,550,440 alleles (0.00026%); highest among the groups gnomAD compares: Non-Finnish European, 0.00035%; no homozygotes.

Submission:

Ambry Genetics
Classification: Uncertain significance for Cardiovascular phenotype. Last evaluated: 2024-05-04. Review status: criteria provided, single submitter. Criteria: Ambry Variant Classification Scheme 2023. Collection method: clinical testing. Allele origin: germline.
Comment: The p.P1689H variant (also known as c.5066C>A), located in coding exon 2 of the ZNF469 gene, results from a C to A substitution at nucleotide position 5066. The proline at codon 1689 is replaced by histidine, an amino acid with similar properties. This amino acid position is conserved. In addition, this alteration is predicted to be tolerated by in silico analysis. Based on the available evidence, the clinical significance of this variant remains unclear.

NM_001367624.2(ZNF469):c.5150C>A (p.Pro1717His)

Gene: ZNF469 (zinc finger protein 469; plus strand). Cytogenetic location: 16q24.2.
Variant type: single nucleotide variant.
Coding change: c.5150C>A on transcript NM_001367624.2 (MANE Select); coding-DNA position 5150, C replaced by A.
Protein change: p.Pro1717His; replaces proline 1717 with histidine.
Molecular consequence: missense variant.
Genome position (GRCh38, 1-based): chr16:88,432,620, C>A. VCF-style: chr16-88432620-C-A. GRCh37 (hg19) VCF-style: chr16-88499028-C-A.
Other names: NM_001127464.1:c.5066C>A; short protein forms P1717H.
Identifiers: ClinVar variation 3258197 (VCV003258197.1).